The following is an entry in ClinVar:

NM_003401.5(XRCC4):c.894-13T>G

Gene: XRCC4 (X-ray repair cross complementing 4; plus strand). Cytogenetic location: 5q14.2.
Variant type: single nucleotide variant.
Coding change: c.894-13T>G on transcript NM_003401.5 (MANE Select); 13 bases into the intron before coding-DNA position 894, T replaced by G.
Molecular consequence: intron variant.
Genome position (GRCh38, 1-based): chr5:83,353,118, T>G. VCF-style: chr5-83353118-T-G. GRCh37 (hg19) VCF-style: chr5-82648937-T-G.
Other names: c.894-7T>G (NM_001318012.3, NM_022406.5); c.894-13T>G (NM_022550.4).
Identifiers: ClinVar variation 1589305 (VCV001589305.10), dbSNP rs369970969, ClinGen allele CA3332301.
Genomic context (GRCh38, chr5:83,353,118, plus strand): 5'-CTCTTCATTTTCTTTTACTCTATAACAGAAGTTTTTAAAAATAAAACTATTTTGATTTTC[T>G]TTTCAGTTCTAGGCCTGATTCTTCACTACCTGAGACGTCTAAAAAGGAGCACATCTCAGC-3'

ClinVar aggregate classification (germline): Conflicting classifications of pathogenicity. Review status: criteria provided, conflicting classifications (1 of 4 stars). 3 submissions from 3 submitters: Uncertain significance (1); Likely benign (2). Last evaluated 2025-05-20.

Conditions:
Short stature, microcephaly, and endocrine dysfunction (SSMED). Identifiers: Orphanet 436182, MedGen C4225288, MONDO:0014686, OMIM 616541.

Allele frequency attached by ClinVar (database versions not stated): ExAC 0.00012; gnomAD exomes 0.00012 and 0.00017; gnomAD 0.00014 and 0.00027; ESP Exome Variant Server 0.00015; TOPMed 0.00028.
gnomAD v4.1: 273 of 1,563,166 alleles (0.017%); highest among the groups gnomAD compares: Non-Finnish European, 0.021%; no homozygotes.

Submissions (3):

GeneDx
Classification: Uncertain significance. Last evaluated: 2025-05-20. Review status: criteria provided, single submitter. Criteria: GeneDx Variant Classification Process June 2021. Collection method: clinical testing. Allele origin: germline. Affected: yes.
Comment: In silico analysis suggests that this variant does not alter splicing; Has not been previously published as pathogenic or benign to our knowledge

Labcorp Genetics (formerly Invitae), Labcorp
Classification: Likely benign. Last evaluated: 2025-02-28. Review status: criteria provided, single submitter. Criteria: Invitae Variant Classification Sherloc (09022015). Collection method: clinical testing. Allele origin: germline.

Fulgent Genetics
Classification: Likely benign for Short stature, microcephaly, and endocrine dysfunction. Last evaluated: 2021-11-10. Review status: criteria provided, single submitter. Criteria: ACMG Guidelines, 2015. Collection method: clinical testing. Allele origin: unknown.